The following is an entry in ClinVar:

ClinVar aggregate classification (germline): Uncertain significance (1 of 4 stars; one submission).

Conditions:
Hereditary nonpolyposis colorectal neoplasms. Identifiers: MedGen C0009405, MeSH D003123.

Submission:

Labcorp Genetics (formerly Invitae), Labcorp
Classification: Uncertain significance for Hereditary nonpolyposis colorectal neoplasms. Last evaluated: 2024-09-08. Review status: criteria provided, single submitter. Criteria: Invitae Variant Classification Sherloc (09022015). Collection method: clinical testing. Allele origin: germline.
Comment: This sequence change replaces threonine, which is neutral and polar, with serine, which is neutral and polar, at codon 86 of the MSH6 protein (p.Thr86Ser). This variant is not present in population databases (gnomAD no frequency). This variant has not been reported in the literature in individuals affected with MSH6-related conditions. ClinVar contains an entry for this variant (Variation ID: 525767). Invitae Evidence Modeling of protein sequence and biophysical properties (such as structural, functional, and spatial information, amino acid conservation, physicochemical variation, residue mobility, and thermodynamic stability) indicates that this missense variant is not expected to disrupt MSH6 protein function with a negative predictive value of 95%. In summary, the available evidence is currently insufficient to determine the role of this variant in disease. Therefore, it has been classified as a Variant of Uncertain Significance.

NM_000179.3(MSH6):c.256A>T (p.Thr86Ser)

Genes: MSH6 (mutS homolog 6; plus strand), LOC129933707 (ATAC-STARR-seq lymphoblastoid silent region 11468; plus strand). Cytogenetic location: 2p16.3.
Variant type: single nucleotide variant.
Coding change: c.256A>T on transcript NM_000179.3 (MANE Select); coding-DNA position 256, A replaced by T.
Protein change: p.Thr86Ser; replaces threonine 86 with serine.
Molecular consequence: missense variant. On other transcripts: 5 prime UTR variant (1), intron variant (1).
Genome position (GRCh38, 1-based): chr2:47,783,489, A>T. VCF-style: chr2-47783489-A-T. GRCh37 (hg19) VCF-style: chr2-48010628-A-T.
Other names: c.-481A>T (NM_001281493.2); c.237+19A>T (NM_001281492.2); short protein forms T86S.
Identifiers: ClinVar variation 525767 (VCV000525767.9), dbSNP rs1553408451, ClinGen allele CA346735167.